The following is an entry in ClinVar:

ClinVar aggregate classification (germline): Uncertain significance. Review status: criteria provided, multiple submitters, no conflicts (2 of 4 stars). 3 submissions from 3 submitters: Uncertain significance (3). Last evaluated 2025-08-03.

Conditions:
Epidermolysis bullosa simplex 5B, with muscular dystrophy (EBS5B). Also called: EPIDERMOLYSIS BULLOSA SIMPLEX AND LIMB-GIRDLE MUSCULAR DYSTROPHY; Epidermolysis bullosa simplex with muscular dystrophy. Identifiers: Orphanet 257, MedGen C2931072, MONDO:0009181, OMIM 226670.
Epidermolysis bullosa simplex, Ogna type (EBS5A). Also called: Pidermolysis bullosa simplex 5A, Ogna type; EPIDERMOLYSIS BULLOSA SIMPLEX 5A, OGNA TYPE. Identifiers: Orphanet 79401, MedGen C0432317, MONDO:0007555, OMIM 131950.
Epidermolysis bullosa simplex 5C, with pyloric atresia (EBS5C). Also called: PLEC-Related Epidermolysis Bullosa with Pyloric Atresia; Epidermolysis bullosa simplex with pyloric atresia; PLEC1-Related Epidermolysis Bullosa with Pyloric Atresia. Identifiers: Orphanet 158684, MedGen C2677349, MONDO:0012807, OMIM 612138.
Autosomal recessive limb-girdle muscular dystrophy type 2Q (LGMDR17). Also called: MUSCULAR DYSTROPHY, LIMB-GIRDLE, AUTOSOMAL RECESSIVE 17. Identifiers: Orphanet 254361, MedGen C3150989, MONDO:0013390, OMIM 613723.
Epidermolysis bullosa simplex with nail dystrophy (EBS5D). Identifiers: MedGen C4225309, MONDO:0014661, OMIM 616487.
Inborn genetic diseases. Identifiers: MedGen C0950123, MeSH D030342.

Allele frequency attached by ClinVar (database versions not stated): gnomAD exomes 0.00001; ExAC 0.00002; gnomAD 0.00003; TOPMed 0.00003.
gnomAD v4.1: 13 of 1,612,992 alleles (0.00081%); highest among the groups gnomAD compares: African/African-American, 0.015%; no homozygotes.

Submissions (3):

Labcorp Genetics (formerly Invitae), Labcorp
Classification: Uncertain significance for Autosomal recessive limb-girdle muscular dystrophy type 2Q; Epidermolysis bullosa simplex, Ogna type; Epidermolysis bullosa simplex with nail dystrophy; Epidermolysis bullosa simplex 5C, with pyloric atresia; Epidermolysis bullosa simplex 5B, with muscular dystrophy. Last evaluated: 2025-08-03. Review status: criteria provided, single submitter. Criteria: Invitae Variant Classification Sherloc (09022015). Collection method: clinical testing. Allele origin: germline.
Comment: This sequence change replaces asparagine, which is neutral and polar, with serine, which is neutral and polar, at codon 4364 of the PLEC protein (p.Asn4364Ser). This variant is present in population databases (rs781813093, gnomAD 0.02%). This variant has not been reported in the literature in individuals affected with PLEC-related conditions. ClinVar contains an entry for this variant (Variation ID: 2053197). An algorithm developed to predict the effect of missense changes on protein structure and function outputs the following: PolyPhen-2: "Benign". The serine amino acid residue is found in multiple mammalian species, which suggests that this missense change does not adversely affect protein function. In summary, the available evidence is currently insufficient to determine the role of this variant in disease. Therefore, it has been classified as a Variant of Uncertain Significance.

Ambry Genetics
Classification: Uncertain significance for Inborn genetic diseases. Last evaluated: 2024-11-09. Review status: criteria provided, single submitter. Criteria: Ambry Variant Classification Scheme 2023. Collection method: clinical testing. Allele origin: germline.

Revvity Omics, Revvity
Classification: Uncertain significance. Last evaluated: 2019-11-14. Review status: criteria provided, single submitter. Criteria: ACMG Guidelines, 2015. Collection method: clinical testing. Allele origin: germline.

NM_201384.3(PLEC):c.13010A>G (p.Asn4337Ser)

Gene: PLEC (plectin; minus strand). Cytogenetic location: 8q24.3.
Variant type: single nucleotide variant.
Coding change: c.13010A>G on transcript NM_201384.3 (MANE Select); coding-DNA position 13010, A replaced by G.
Protein change: p.Asn4337Ser; replaces asparagine 4337 with serine.
Molecular consequence: missense variant.
Genome position (GRCh38, 1-based): chr8:143,916,811, T>C on the plus strand (A>G on the coding strand, the complement: PLEC is on the minus strand). VCF-style: chr8-143916811-T-C. GRCh37 (hg19) VCF-style: chr8-144990979-T-C.
Other names: c.13091A>G, p.Asn4364Ser (NM_000445.5); c.9710A>G, p.Asn3237Ser (NM_001410941.1); c.12968A>G, p.Asn4323Ser (NM_201378.4); c.12944A>G, p.Asn4315Ser (NM_201379.3); c.13421A>G, p.Asn4474Ser (NM_201380.4); c.12914A>G, p.Asn4305Ser (NM_201381.3); c.13010A>G, p.Asn4337Ser (NM_201382.4); c.13022A>G, p.Asn4341Ser (NM_201383.3); and 1 more; short protein forms N3237S, N4305S, N4323S, N4337S, N4364S, N4474S, N4315S, N4341S.
Identifiers: ClinVar variation 2053197 (VCV002053197.8), dbSNP rs781813093, ClinGen allele CA4923923.